The following is an entry in ClinVar:

ClinVar aggregate classification (germline): Likely pathogenic. Review status: criteria provided, multiple submitters, no conflicts (2 of 4 stars). 5 submissions from 5 submitters: Likely pathogenic (2). 3 of the submissions do not count toward it. Last evaluated 2019-10-16.

Conditions:
Frontotemporal dementia (FTD1). Also called: WILHELMSEN-LYNCH DISEASE; Frontotemporal lobe dementia (FLDEM); Dementia, frontotemporal, with or without parkinsonism; Frontotemporal Dementia with Parkinsonism-17 (FTDP-17); FRONTOTEMPORAL DEMENTIA WITH PARKINSONISM; FRONTOTEMPORAL LOBE DEMENTIA. Identifiers: Orphanet 282, MedGen C0338451, MONDO:0017276, OMIM 600274, HP:0002145.
Alzheimer disease 3 (AD3). Also called: ALZHEIMER DISEASE, FAMILIAL, 3. Identifiers: Orphanet 1020, MedGen C1843013, MONDO:0011913, OMIM 607822.
Acne inversa, familial, 3 (ACNINV3). Identifiers: MedGen C3151038, MONDO:0013398, OMIM 613737.
Pick disease. Also called: Pick Disease of the Brain; Pick's disease; LOBAR ATROPHY OF BRAIN; PICK DISEASE OF BRAIN; DEMENTIA WITH LOBAR ATROPHY AND NEURONAL CYTOPLASMIC INCLUSIONS. Identifiers: Orphanet 282, MedGen C0236642, MONDO:0008243, OMIM 172700.

Submissions (5):

Labcorp Genetics (formerly Invitae), Labcorp
Classification: Likely pathogenic for Alzheimer disease 3; Pick disease; Acne inversa, familial, 3; Frontotemporal dementia. Last evaluated: 2019-10-16. Review status: criteria provided, single submitter. Criteria: Invitae Variant Classification Sherloc (09022015). Collection method: clinical testing. Allele origin: germline.
Comment: In summary, the currently available evidence indicates that the variant is pathogenic, but additional data are needed to prove that conclusively. Therefore, this variant has been classified as Likely Pathogenic. This variant disrupts the p.Leu113 amino acid residue in PSEN1. Other variant(s) that disrupt this residue have been observed in individuals with PSEN1-related conditions (PMID: 15776278), which suggests that this may be a clinically significant amino acid residue. This variant has been reported not to substantially affect PSEN1 protein function (PMID: 17431506, 20634584). This variant has been observed in an individual and a family affected with clinical features of early-onset Alzheimer's disease (PMID: 11094121, Invitae). This gene is also known as PS1 in the literature. ClinVar contains an entry for this variant (Variation ID: 18145). This variant is not present in population databases (ExAC no frequency). This sequence change replaces leucine with proline at codon 113 of the PSEN1 protein (p.Leu113Pro). The leucine residue is highly conserved and there is a moderate physicochemical difference between leucine and proline.

Athena Diagnostics
Classification: Likely pathogenic. Last evaluated: 2019-04-04. Review status: criteria provided, single submitter. Criteria: Athena Diagnostics Criteria. Collection method: clinical testing. Allele origin: germline.
Comment: Not found in the total gnomAD dataset, and the data is high quality (0/282660 chr). Found in at least one symptomatic patient. Predicted to have a damaging effect on the protein. Damaging to protein function(s) relevant to disease mechanism.

OMIM
Classification: Pathogenic for DEMENTIA, FRONTOTEMPORAL. Last evaluated: 2000-11-28. Review status: no assertion criteria provided. Collection method: literature only. Allele origin: germline. Not counted in ClinVar's aggregate classification.

GeneReviews
No classification provided. Condition: Alzheimer disease 3. Review status: no classification provided. Collection method: literature only. Allele origin: unknown. Not counted in ClinVar's aggregate classification.

VIB  Department of Molecular Genetics, University of Antwerp
No classification provided. Review status: no classification provided. Collection method: not provided. Allele origin: not provided. Not counted in ClinVar's aggregate classification.

Literature cited by the submitters: PubMed 15776278 (cited by Labcorp Genetics (formerly Invitae), Labcorp); PubMed 17431506 (cited by Labcorp Genetics (formerly Invitae), Labcorp and Athena Diagnostics); PubMed 20634584 (cited by Labcorp Genetics (formerly Invitae), Labcorp); PubMed 11094121 (cited by 4 submitters); PubMed 22475797 (cited by Athena Diagnostics); PubMed 20332427 (cited by Athena Diagnostics); PubMed 11895378 (cited by Athena Diagnostics); PubMed 20301414 (cited by GeneReviews); NCBI Bookshelf NBK1236 (cited by GeneReviews).

NM_000021.4(PSEN1):c.338T>C (p.Leu113Pro)

Gene: PSEN1 (presenilin 1; plus strand). Cytogenetic location: 14q24.2.
Variant type: single nucleotide variant.
Coding change: c.338T>C on transcript NM_000021.4 (MANE Select); coding-DNA position 338, T replaced by C.
Protein change: p.Leu113Pro; replaces leucine 113 with proline.
Molecular consequence: missense variant.
Genome position (GRCh38, 1-based): chr14:73,171,047, T>C. VCF-style: chr14-73171047-T-C. GRCh37 (hg19) VCF-style: chr14-73637755-T-C.
Other names: c.326T>C, p.Leu109Pro (NM_007318.3); short protein forms L113P, L109P.
Identifiers: ClinVar variation 18145 (VCV000018145.14), dbSNP rs63751399, ClinGen allele CA224998.
Genomic context (GRCh38, chr14:73,171,047, plus strand): 5'-TGGTGGTGGTCGTGGCTACCATTAAGTCAGTCAGCTTTTATACCCGGAAGGATGGGCAGC[T>C]GTACGTATGAGTTTTGTTTTATTATTCTCAAAGCCAGTGTGGCTTTTCTTTACAGCATGT-3'
Protein context (NP_000012.1, residues 103-123): VSFYTRKDGQ[Leu113Pro]IYTPFTEDTE